The following is an entry in ClinVar:

NM_001367561.1(DOCK7):c.3926T>G (p.Leu1309Arg)

Gene: DOCK7 (dedicator of cytokinesis 7; minus strand). Cytogenetic location: 1p31.3.
Variant type: single nucleotide variant.
Coding change: c.3926T>G on transcript NM_001367561.1 (MANE Select); coding-DNA position 3926, T replaced by G.
Protein change: p.Leu1309Arg; replaces leucine 1309 with arginine.
Molecular consequence: missense variant.
Genome position (GRCh38, 1-based): chr1:62,528,161, A>C on the plus strand (T>G on the coding strand, the complement: DOCK7 is on the minus strand). VCF-style: chr1-62528161-A-C. GRCh37 (hg19) VCF-style: chr1-62993832-A-C.
Other names: c.3926T>G, p.Leu1309Arg (NM_001271999.2, NM_001330614.2); c.3833T>G, p.Leu1278Arg (NM_001272000.2, NM_001272001.2, NM_033407.4); short protein forms L1278R, L1309R.
Identifiers: ClinVar variation 1056872 (VCV001056872.9), dbSNP rs2149370302, ClinGen allele CA340599541.
Genomic context (GRCh38, chr1:62,528,161, plus strand): 5'-AAATATTTGTCTTTCTAGAAAAAAAAATTCTGTAGGAGGATTGTTTTTACCGTTGACGTG[A>C]GGAGGAAACTGCCAGGCCTTGTTAGTTGAGGGACCGATGTCCCTGCGATTGCCATGGCAA-3'
Protein context (NP_001354490.1, residues 1299-1319): PQLTRPGSFL[Leu1309Arg]TSTSGRQHTT

ClinVar aggregate classification (germline): Uncertain significance (1 of 4 stars; one submission).

Conditions:
Developmental and epileptic encephalopathy, 23 (DEE23). Also called: Epileptic encephalopathy, early infantile, 23. Identifiers: Orphanet 411986, MedGen C4014492, MONDO:0014371, OMIM 615859.

Submission:

Labcorp Genetics (formerly Invitae), Labcorp
Classification: Uncertain significance for Developmental and epileptic encephalopathy, 23. Last evaluated: 2022-03-19. Review status: criteria provided, single submitter. Criteria: Invitae Variant Classification Sherloc (09022015). Collection method: clinical testing. Allele origin: germline.
Comment: Algorithms developed to predict the effect of missense changes on protein structure and function (SIFT, PolyPhen-2, Align-GVGD) all suggest that this variant is likely to be tolerated. This variant has not been reported in the literature in individuals affected with DOCK7-related conditions. ClinVar contains an entry for this variant (Variation ID: 1056872). In summary, the available evidence is currently insufficient to determine the role of this variant in disease. Therefore, it has been classified as a Variant of Uncertain Significance. This sequence change replaces leucine, which is neutral and non-polar, with arginine, which is basic and polar, at codon 1309 of the DOCK7 protein (p.Leu1309Arg). This variant is not present in population databases (gnomAD no frequency).